The following is an entry in ClinVar:

ClinVar aggregate classification (germline): Uncertain significance (1 of 4 stars; one submission).

Conditions:
Cardiomyopathy (CMYO). Also called: Cardiomyopathies. Identifiers: Orphanet 167848, MedGen C0878544, MONDO:0004994, HP:0001638. Inheritance: Various modes of inheritance.

Allele frequency attached by ClinVar (database versions not stated): ExAC 0.00001; gnomAD exomes 0.00001; gnomAD 0.00001; TOPMed 0.00001.
gnomAD v4.1: 15 of 1,606,338 alleles (0.00093%); highest among the groups gnomAD compares: Non-Finnish European, 0.00059%; no homozygotes.

Submission:

Color Diagnostics, LLC DBA Color Health
Classification: Uncertain significance for Cardiomyopathy. Last evaluated: 2025-06-04. Review status: criteria provided, single submitter. Criteria: ACMG Guidelines, 2015. Collection method: clinical testing. Allele origin: germline.
Comment: This variant is located in the 5' untranslated region of the PRKAG2 gene. To our knowledge, functional studies have not been reported for this variant. This variant has not been reported in individuals affected with PRKAG2-related disorders in the literature. This variant has been identified in 2/245642 chromosomes in the general population by the Genome Aggregation Database (gnomAD). The available evidence is insufficient to determine the role of this variant in disease conclusively. Therefore, this variant is classified as a Variant of Uncertain Significance.

NM_016203.4(PRKAG2):c.-12C>G

Gene: PRKAG2 (protein kinase AMP-activated non-catalytic subunit gamma 2; minus strand). Cytogenetic location: 7q36.1.
Variant type: single nucleotide variant.
Coding change: c.-12C>G on transcript NM_016203.4 (MANE Select); 12 bases upstream of the start codon, C replaced by G.
Molecular consequence: 5 prime UTR variant.
Genome position (GRCh38, 1-based): chr7:151,876,632, G>C on the plus strand (C>G on the coding strand, the complement: PRKAG2 is on the minus strand). VCF-style: chr7-151876632-G-C. GRCh37 (hg19) VCF-style: chr7-151573717-G-C.
Identifiers: ClinVar variation 923393 (VCV000923393.6), dbSNP rs765372069, ClinGen allele CA054698.